The following is an entry in ClinVar:

NM_006642.5(SDCCAG8):c.553A>G (p.Met185Val)

Gene: SDCCAG8 (SHH signaling and ciliogenesis regulator SDCCAG8; plus strand). Cytogenetic location: 1q43.
Variant type: single nucleotide variant.
Coding change: c.553A>G on transcript NM_006642.5 (MANE Select); coding-DNA position 553, A replaced by G.
Protein change: p.Met185Val; replaces methionine 185 with valine.
Molecular consequence: missense variant. On other transcripts: 5 prime UTR variant (3).
Genome position (GRCh38, 1-based): chr1:243,293,097, A>G. VCF-style: chr1-243293097-A-G. GRCh37 (hg19) VCF-style: chr1-243456399-A-G.
Other names: c.-560A>G (NM_001350246.2); c.-448A>G (NM_001350247.2); c.553A>G, p.Met185Val (NM_001350248.2); c.259A>G, p.Met87Val (NM_001350249.2); c.-821A>G (NM_001350251.2); short protein forms M185V, M87V.
Identifiers: ClinVar variation 1712349 (VCV001712349.4), dbSNP rs752567022, ClinGen allele CA1483346.

ClinVar aggregate classification (germline): Uncertain significance. Review status: criteria provided, multiple submitters, no conflicts (2 of 4 stars). 2 submissions from 2 submitters: Uncertain significance (2). Last evaluated 2022-05-20.

Conditions:
Kidney disorder. Also called: renal disease; renal disorder; Nephropathy; Kidney disease; Kidney Diseases. Identifiers: MedGen C0022658, MONDO:0005240, HP:0000112.
Senior-Loken syndrome 7 (SLSN7). Identifiers: Orphanet 3156, MedGen C3150877, MONDO:0013326, OMIM 613615.
Bardet-Biedl syndrome 16 (BBS16). Identifiers: Orphanet 110, MedGen C3889474, MONDO:0014444, OMIM 615993.

Allele frequency attached by ClinVar (database versions not stated): ExAC 0.00001; gnomAD 0.00001; gnomAD exomes 0.00001.

Submissions (2):

Labcorp Genetics (formerly Invitae), Labcorp
Classification: Uncertain significance for Bardet-Biedl syndrome 16; Senior-Loken syndrome 7. Last evaluated: 2022-05-20. Review status: criteria provided, single submitter. Criteria: Invitae Variant Classification Sherloc (09022015). Collection method: clinical testing. Allele origin: germline.
Comment: This sequence change replaces methionine, which is neutral and non-polar, with valine, which is neutral and non-polar, at codon 185 of the SDCCAG8 protein (p.Met185Val). This variant is present in population databases (rs752567022, gnomAD 0.002%). This variant has not been reported in the literature in individuals affected with SDCCAG8-related conditions. Algorithms developed to predict the effect of missense changes on protein structure and function output the following: SIFT: "Tolerated"; PolyPhen-2: "Benign"; Align-GVGD: "Class C0". The valine amino acid residue is found in multiple mammalian species, which suggests that this missense change does not adversely affect protein function. Algorithms developed to predict the effect of sequence changes on RNA splicing suggest that this variant may disrupt the consensus splice site. In summary, the available evidence is currently insufficient to determine the role of this variant in disease. Therefore, it has been classified as a Variant of Uncertain Significance.

Genome Diagnostics Laboratory, The Hospital for Sick Children
Classification: Uncertain significance for Kidney disorder. Last evaluated: 2016-12-12. Review status: criteria provided, single submitter. Criteria: ACMG Guidelines, 2015. Collection method: clinical testing. Allele origin: germline.